The following is an entry in ClinVar:

NM_001127208.3(TET2):c.2429A>G (p.Gln810Arg)

Genes: TET2-AS1 (TET2 antisense RNA 1; minus strand), TET2 (tet methylcytosine dioxygenase 2; plus strand). Cytogenetic location: 4q24.
Variant type: single nucleotide variant.
Coding change: c.2429A>G on transcript NM_001127208.3 (MANE Select); coding-DNA position 2429, A replaced by G.
Protein change: p.Gln810Arg; replaces glutamine 810 with arginine.
Molecular consequence: missense variant.
Genome position (GRCh38, 1-based): chr4:105,236,371, A>G. VCF-style: chr4-105236371-A-G. GRCh37 (hg19) VCF-style: chr4-106157528-A-G.
Other names: c.2429A>G, p.Gln810Arg (NM_017628.4); short protein forms Q810R.
Identifiers: ClinVar variation 135303 (VCV000135303.13), dbSNP rs28555446, ClinGen allele CA162280.

ClinVar aggregate classification (germline): Conflicting classifications of pathogenicity. Review status: criteria provided, conflicting classifications (1 of 4 stars). 5 submissions from 5 submitters: Uncertain significance (1); Benign (1); Likely benign (1). 2 of the submissions do not count toward it. Last evaluated 2025-12-29.

Conditions:
TET2-related disorder. Also called: TET2-related condition.

Allele frequency attached by ClinVar (database versions not stated): 1000 Genomes Project 30x 0.00203; 1000 Genomes Project 0.00220; TOPMed 0.00264; ESP Exome Variant Server 0.00292.
gnomAD v4.1: 1,001 of 1,614,028 alleles (0.062%); highest among the groups gnomAD compares: African/African-American, 0.78%; 6 homozygotes.

Submissions (5):

Labcorp Genetics (formerly Invitae), Labcorp
Classification: Benign. Last evaluated: 2025-12-29. Review status: criteria provided, single submitter. Criteria: Invitae Variant Classification Sherloc (09022015). Collection method: clinical testing. Allele origin: germline.

Genetic Services Laboratory, University of Chicago
Classification: Uncertain significance. Last evaluated: 2021-12-01. Review status: criteria provided, single submitter. Criteria: ACMG Guidelines, 2015. Collection method: clinical testing. Allele origin: germline. Affected: no.
Comment: DNA sequence analysis of the TET2 gene demonstrated a sequence change, c.2429A>G, in exon 3 that results in an amino acid change, p.Gln810Arg. This sequence change has been described in the gnomAD database with a frequency of 0.72% in the African/African American subpopulation (dbSNP rs28555446). The p.Gln810Arg change affects a highly conserved amino acid residue located in a domain of the TET2 protein that is not known to be functional. In-silico pathogenicity prediction tools (SIFT, PolyPhen2, Align GVGD, REVEL) provide contradictory results for the p.Gln810Arg substitution. This sequence change does not appear to have been previously described in individuals with TET2-related disorders. Due to insufficient evidences and the lack of functional studies, the clinical significance of the p.Gln810Arg change remains unknown at this time.

GeneDx
Classification: Likely benign. Last evaluated: 2021-01-28. Review status: criteria provided, single submitter. Criteria: GeneDx Variant Classification Process June 2021. Collection method: clinical testing. Allele origin: germline. Affected: yes.
Comment: Reported in an individual with a classic myeloproliferative neoplasm, but it is unclear if this represented a somatic or germline variant (Martinez-Aviles et al., 2012); In silico analysis, which includes protein predictors and evolutionary conservation, supports that this variant does not alter protein structure/function; This variant is associated with the following publications: (PMID: 21904853, 24728327, 32440014)

PreventionGenetics, part of Exact Sciences
Classification: Benign for TET2-related condition. Last evaluated: 2020-12-14. Review status: no assertion criteria provided. Collection method: clinical testing. Allele origin: germline. Not counted in ClinVar's aggregate classification.
Comment: This variant is classified as benign based on ACMG/AMP sequence variant interpretation guidelines (Richards et al. 2015 PMID: 25741868, with internal and published modifications).

ITMI
No classification provided. Condition: AllHighlyPenetrant. Last evaluated: 2013-09-19. Review status: no classification provided. Collection method: reference population. Allele origin: germline. Not counted in ClinVar's aggregate classification.
Comment: Please see associated publication for description of ethnicities

Literature cited by the submitters: PubMed 24728327 (cited by ITMI).